The following is an entry in ClinVar:

NM_033026.6(PCLO):c.14842T>A (p.Ser4948Thr)

Genes: PCLO (piccolo presynaptic cytomatrix protein; minus strand), LOC126860089 (MED14-independent group 3 enhancer GRCh37_chr7:82434470-82435669; plus strand). Cytogenetic location: 7q21.11.
Variant type: single nucleotide variant.
Coding change: c.14842T>A on transcript NM_033026.6 (MANE Select); coding-DNA position 14842, T replaced by A.
Protein change: p.Ser4948Thr; replaces serine 4948 with threonine.
Molecular consequence: missense variant.
Genome position (GRCh38, 1-based): chr7:82,805,779, A>T on the plus strand (T>A on the coding strand, the complement: PCLO is on the minus strand). VCF-style: chr7-82805779-A-T. GRCh37 (hg19) VCF-style: chr7-82435095-A-T.
Other names: short protein forms S4948T.
Identifiers: ClinVar variation 1950166 (VCV001950166.5), dbSNP rs770127624, ClinGen allele CA4318701.

ClinVar aggregate classification (germline): Uncertain significance (1 of 4 stars; one submission).

Allele frequency attached by ClinVar (database versions not stated): ExAC 0.00001; gnomAD exomes 0.00001.
gnomAD v4.1: 4 of 1,610,144 alleles (0.00025%); highest among the groups gnomAD compares: East Asian, 0.0067%; no homozygotes.

Submission:

Labcorp Genetics (formerly Invitae), Labcorp
Classification: Uncertain significance. Last evaluated: 2022-02-02. Review status: criteria provided, single submitter. Criteria: Invitae Variant Classification Sherloc (09022015). Collection method: clinical testing. Allele origin: germline.
Comment: In summary, the available evidence is currently insufficient to determine the role of this variant in disease. Therefore, it has been classified as a Variant of Uncertain Significance. Algorithms developed to predict the effect of missense changes on protein structure and function are either unavailable or do not agree on the potential impact of this missense change (SIFT: "Tolerated"; PolyPhen-2: "Not Available"; Align-GVGD: "Class C0"). This variant has not been reported in the literature in individuals affected with PCLO-related conditions. This variant is not present in population databases (gnomAD no frequency). This sequence change replaces serine, which is neutral and polar, with threonine, which is neutral and polar, at codon 4948 of the PCLO protein (p.Ser4948Thr).